The following is an entry in ClinVar:

ClinVar aggregate classification (germline): Uncertain significance (1 of 4 stars; one submission).

Conditions:
Hereditary cancer-predisposing syndrome. Also called: Hereditary Cancer Syndrome; Hereditary neoplastic syndrome; Neoplastic Syndromes, Hereditary; Tumor predisposition. Identifiers: Orphanet 140162, MedGen C0027672, MeSH D009386, MONDO:0015356.

Submission:

Ambry Genetics
Classification: Uncertain significance for Hereditary cancer-predisposing syndrome. Last evaluated: 2025-06-24. Review status: criteria provided, single submitter. Criteria: Ambry Variant Classification Scheme 2023. Collection method: clinical testing. Allele origin: germline.
Comment: The p.Y3098D variant (also known as c.9292T>G), located in coding exon 24 of the BRCA2 gene, results from a T to G substitution at nucleotide position 9292. The tyrosine at codon 3098 is replaced by aspartic acid, an amino acid with highly dissimilar properties. This amino acid position is conserved. In addition, the in silico prediction for this alteration is inconclusive. Based on the available evidence, the clinical significance of this variant remains unclear.

NM_000059.4(BRCA2):c.9292T>G (p.Tyr3098Asp)

Gene: BRCA2 (BRCA2 DNA repair associated; plus strand). Cytogenetic location: 13q13.1.
Variant type: single nucleotide variant.
Coding change: c.9292T>G on transcript NM_000059.4 (MANE Select); coding-DNA position 9292, T replaced by G.
Protein change: p.Tyr3098Asp; replaces tyrosine 3098 with aspartic acid.
Molecular consequence: missense variant. On other transcripts: non-coding transcript variant (1).
Genome position (GRCh38, 1-based): chr13:32,394,724, T>G. VCF-style: chr13-32394724-T-G. GRCh37 (hg19) VCF-style: chr13-32968861-T-G.
Other names: c.9196T>G, p.Tyr3066Asp (NM_001406719.1); c.9241T>G, p.Tyr3081Asp (NM_001406720.1); c.4360T>G, p.Tyr1454Asp (NM_001406721.1); c.2875T>G, p.Tyr959Asp (NM_001406722.1); c.9292T>G, p.Tyr3098Asp (NM_001432077.1); short protein forms Y1454D, Y959D, Y3098D, Y3066D, Y3081D.
Identifiers: ClinVar variation 4215735 (VCV004215735.1).
Genomic context (GRCh38, chr13:32,394,724, plus strand): 5'-TTCTTTTCTTTTTTTTCCATTCTAGGACTTGCCCCTTTCGTCTATTTGTCAGACGAATGT[T>G]ACAATTTACTGGCAATAAAGTTTTGGATAGACCTTAATGAGGACATTATTAAGCCTCATA-3'
Protein context (NP_000050.3, residues 3088-3108): APFVYLSDEC[Tyr3098Asp]NLLAIKFWID